The following is an entry in ClinVar:

NM_000089.4(COL1A2):c.325-7C>A

Gene: COL1A2 (collagen type I alpha 2 chain; plus strand). Cytogenetic location: 7q21.3.
Variant type: single nucleotide variant.
Coding change: c.325-7C>A on transcript NM_000089.4 (MANE Select); 7 bases into the intron before coding-DNA position 325, C replaced by A.
Molecular consequence: intron variant.
Genome position (GRCh38, 1-based): chr7:94,404,686, C>A. VCF-style: chr7-94404686-C-A. GRCh37 (hg19) VCF-style: chr7-94033998-C-A.
Identifiers: ClinVar variation 391262 (VCV000391262.1), dbSNP rs1057524020, ClinGen allele CA16605301.

ClinVar aggregate classification (germline): Likely benign (1 of 4 stars; one submission).

Submission:

GeneDx
Classification: Likely benign. Last evaluated: 2016-11-29. Review status: criteria provided, single submitter. Criteria: GeneDx Variant Classification (06012015). Collection method: clinical testing. Allele origin: germline. Affected: yes.
Comment: This variant is considered likely benign or benign based on one or more of the following criteria: it is a conservative change, it occurs at a poorly conserved position in the protein, it is predicted to be benign by multiple in silico algorithms, and/or has population frequency not consistent with disease.